The following is an entry in ClinVar:

ClinVar aggregate classification (germline): Likely benign. Review status: criteria provided, multiple submitters, no conflicts (2 of 4 stars). 3 submissions from 3 submitters: Likely benign (3). Last evaluated 2026-01-24.

Conditions:
Duane-radial ray syndrome (DRRS). Also called: Duane-Radial Ray Syndrome (DRRS) / Okihiro Syndrome; DR SYNDROME; DUANE ANOMALY WITH RADIAL RAY ABNORMALITIES AND DEAFNESS; ACRORENOOCULAR SYNDROME; Okihiro Syndrome; Duane-Radial Ray Syndrome/Okihiro Syndrome. Identifiers: Orphanet 93293, Orphanet 959, MedGen C1623209, MONDO:0011812, OMIM 607323. Disease mechanism: gain of function.

Allele frequency attached by ClinVar (database versions not stated): ESP Exome Variant Server 0.00008; gnomAD 0.00017 and 0.00018; TOPMed 0.00017; ExAC 0.00021; gnomAD exomes 0.00022 and 0.00030.
gnomAD v4.1: 460 of 1,614,190 alleles (0.028%); highest among the groups gnomAD compares: Non-Finnish European, 0.037%; no homozygotes.

Submissions (3):

Labcorp Genetics (formerly Invitae), Labcorp
Classification: Likely benign for Duane-radial ray syndrome. Last evaluated: 2026-01-24. Review status: criteria provided, single submitter. Criteria: Invitae Variant Classification Sherloc (09022015). Collection method: clinical testing. Allele origin: germline.

CeGaT Center for Human Genetics Tuebingen
Classification: Likely benign. Last evaluated: 2025-10-01. Review status: criteria provided, single submitter. Criteria: CeGaT Center For Human Genetics Tuebingen Variant Classification Criteria Version 2. Collection method: clinical testing. Allele origin: germline. Affected: yes. Observed: 1 variant allele.
Comment: SALL4: BP4, BP7

Blueprint Genetics
Classification: Likely benign. Last evaluated: 2024-10-28. Review status: criteria provided, single submitter. Criteria: ACMG Guidelines, 2015. Collection method: clinical testing. Allele origin: germline.

NM_020436.5(SALL4):c.3096T>C (p.Ala1032=)

Gene: SALL4 (spalt like transcription factor 4; minus strand). Cytogenetic location: 20q13.2.
Variant type: single nucleotide variant.
Coding change: c.3096T>C on transcript NM_020436.5 (MANE Select); coding-DNA position 3096, T replaced by C.
Protein change: p.Ala1032=; no amino-acid change (alanine 1032 retained).
Molecular consequence: synonymous variant.
Genome position (GRCh38, 1-based): chr20:51,784,331, A>G on the plus strand (T>C on the coding strand, the complement: SALL4 is on the minus strand). VCF-style: chr20-51784331-A-G. GRCh37 (hg19) VCF-style: chr20-50400870-A-G.
Other names: c.1785T>C, p.Ala595= (NM_001318031.2).
Identifiers: ClinVar variation 767016 (VCV000767016.14), dbSNP rs370319434, ClinGen allele CA9911921.